The following is an entry in ClinVar:

ClinVar aggregate classification (germline): Uncertain significance (1 of 4 stars; one submission).

Conditions:
Myofibrillar myopathy 5. Also called: Filaminopathy (type); FILAMINOPATHY, AUTOSOMAL DOMINANT. Identifiers: Orphanet 171445, MedGen C1836050, MONDO:0012289, OMIM 609524.
Distal myopathy with posterior leg and anterior hand involvement. Also called: WILLIAMS DISTAL MYOPATHY. Identifiers: Orphanet 63273, MedGen C3279722, MONDO:0013550, OMIM 614065.
Hypertrophic cardiomyopathy 26. Also called: Cardiomyopathy, familial hypertrophic, 26. Identifiers: Orphanet 75249, MedGen C4310749, MONDO:0014883, OMIM 617047.

Submission:

Labcorp Genetics (formerly Invitae), Labcorp
Classification: Uncertain significance for Distal myopathy with posterior leg and anterior hand involvement; Myofibrillar myopathy 5; Hypertrophic cardiomyopathy 26. Last evaluated: 2024-06-25. Review status: criteria provided, single submitter. Criteria: Invitae Variant Classification Sherloc (09022015). Collection method: clinical testing. Allele origin: germline.
Comment: This sequence change falls in intron 10 of the FLNC gene. It does not directly change the encoded amino acid sequence of the FLNC protein. It affects a nucleotide within the consensus splice site. This variant is not present in population databases (gnomAD no frequency). This variant has not been reported in the literature in individuals affected with FLNC-related conditions. Variants that disrupt the consensus splice site are a relatively common cause of aberrant splicing (PMID: 17576681, 9536098). Algorithms developed to predict the effect of sequence changes on RNA splicing suggest that this variant may disrupt the consensus splice site. In summary, the available evidence is currently insufficient to determine the role of this variant in disease. Therefore, it has been classified as a Variant of Uncertain Significance.

Literature cited by the submitters: PubMed 17576681; PubMed 9536098.

NM_001458.5(FLNC):c.1677-3C>G

Gene: FLNC (filamin C; plus strand). Cytogenetic location: 7q32.1.
Variant type: single nucleotide variant.
Coding change: c.1677-3C>G on transcript NM_001458.5 (MANE Select); 3 bases into the intron before coding-DNA position 1677, C replaced by G.
Molecular consequence: intron variant.
Genome position (GRCh38, 1-based): chr7:128,840,831, C>G. VCF-style: chr7-128840831-C-G. GRCh37 (hg19) VCF-style: chr7-128480885-C-G.
Other names: c.1677-3C>G (NM_001127487.2).
Identifiers: ClinVar variation 2950396 (VCV002950396.3), dbSNP rs2536627043, ClinGen allele CA2740097550.
Genomic context (GRCh38, chr7:128,840,831, plus strand): 5'-TTGGGCTGCGAGGGACTTTGGGGGGCACTTCCTGGCATGGACACCAGCTCCCTCTCTGCC[C>G]AGCCCCTTTGAGGTACAGGTGAGCCCAGAGGCAGGAGTGCAAAAGGTCCGGGCCTGGGGT-3'